The following is an entry in ClinVar:

ClinVar aggregate classification (germline): Uncertain significance (1 of 4 stars; one submission).

Submission:

GeneDx
Classification: Uncertain significance. Last evaluated: 2023-05-11. Review status: criteria provided, single submitter. Criteria: GeneDx Variant Classification Process June 2021. Collection method: clinical testing. Allele origin: germline. Affected: yes.
Comment: Not observed at significant frequency in large population cohorts (gnomAD); In silico analysis supports that this missense variant has a deleterious effect on protein structure/function; Has not been previously published as pathogenic or benign to our knowledge

NM_006182.4(DDR2):c.438C>A (p.Asn146Lys)

Gene: DDR2 (discoidin domain receptor tyrosine kinase 2; plus strand). Cytogenetic location: 1q23.3.
Variant type: single nucleotide variant.
Coding change: c.438C>A on transcript NM_006182.4 (MANE Select); coding-DNA position 438, C replaced by A.
Protein change: p.Asn146Lys; replaces asparagine 146 with lysine.
Molecular consequence: missense variant.
Genome position (GRCh38, 1-based): chr1:162,755,176, C>A. VCF-style: chr1-162755176-C-A. GRCh37 (hg19) VCF-style: chr1-162724966-C-A.
Other names: c.438C>A, p.Asn146Lys (NM_001014796.3, NM_001354982.2, NM_001354983.2); short protein forms N146K.
Identifiers: ClinVar variation 3343446 (VCV003343446.1).